The following is an entry in ClinVar:

ClinVar aggregate classification (germline): Uncertain significance. Review status: criteria provided, multiple submitters, no conflicts (2 of 4 stars). 2 submissions from 2 submitters: Uncertain significance (2). Last evaluated 2025-09-21.

Allele frequency attached by ClinVar (database versions not stated): gnomAD exomes below 0.00001; ExAC 0.00002; TOPMed 0.00007; ESP Exome Variant Server 0.00008; gnomAD 0.00009.
gnomAD v4.1: 17 of 1,613,286 alleles (0.0011%); highest among the groups gnomAD compares: African/African-American, 0.021%; no homozygotes.

Submissions (2):

Ambry Genetics
Classification: Uncertain significance. Last evaluated: 2025-09-21. Review status: criteria provided, single submitter. Criteria: Ambry Variant Classification Scheme 2023. Collection method: clinical testing. Allele origin: germline.

Labcorp Genetics (formerly Invitae), Labcorp
Classification: Uncertain significance. Last evaluated: 2025-08-17. Review status: criteria provided, single submitter. Criteria: Invitae Variant Classification Sherloc (09022015). Collection method: clinical testing. Allele origin: germline.
Comment: This sequence change replaces cysteine, which is neutral and slightly polar, with tyrosine, which is neutral and polar, at codon 2472 of the FBN3 protein (p.Cys2472Tyr). This variant is present in population databases (rs374133420, gnomAD 0.03%). This variant has not been reported in the literature in individuals affected with FBN3-related conditions. ClinVar contains an entry for this variant (Variation ID: 2183663). Invitae Evidence Modeling of protein sequence and biophysical properties (such as structural, functional, and spatial information, amino acid conservation, physicochemical variation, residue mobility, and thermodynamic stability) indicates that this missense variant is expected to disrupt FBN3 protein function with a positive predictive value of 80%. In summary, the available evidence is currently insufficient to determine the role of this variant in disease. Therefore, it has been classified as a Variant of Uncertain Significance.

NM_032447.5(FBN3):c.7415G>A (p.Cys2472Tyr)

Gene: FBN3 (fibrillin 3; minus strand). Cytogenetic location: 19p13.2.
Variant type: single nucleotide variant.
Coding change: c.7415G>A on transcript NM_032447.5 (MANE Select); coding-DNA position 7415, G replaced by A.
Protein change: p.Cys2472Tyr; replaces cysteine 2472 with tyrosine.
Molecular consequence: missense variant.
Genome position (GRCh38, 1-based): chr19:8,081,041, C>T on the plus strand (G>A on the coding strand, the complement: FBN3 is on the minus strand). VCF-style: chr19-8081041-C-T. GRCh37 (hg19) VCF-style: chr19-8145925-C-T.
Other names: c.7415G>A, p.Cys2472Tyr (NM_001321431.2); c.7415G>A (NM_032447.3); short protein forms C2472Y.
Identifiers: ClinVar variation 2183663 (VCV002183663.7), dbSNP rs374133420, ClinGen allele CA9150892.